The following is an entry in ClinVar:

ClinVar aggregate classification (germline): Conflicting classifications of pathogenicity. Review status: criteria provided, conflicting classifications (1 of 4 stars). 4 submissions from 4 submitters: Uncertain significance (1); Likely benign (2). 1 of the submissions does not count toward it. Last evaluated 2024-07-18.

Conditions:
PCNT-related disorder. Also called: PCNT-related condition.
Microcephalic osteodysplastic primordial dwarfism type II (MOPD2). Also called: Microcephalic osteodysplastic primordial dwarfism with tooth abnormalities; MOPD II; OSTEODYSPLASTIC PRIMORDIAL DWARFISM, TYPE II. Identifiers: Orphanet 2637, MedGen C0432246, MONDO:0008872, OMIM 210720.

Allele frequency attached by ClinVar (database versions not stated): gnomAD exomes 0.00001; TOPMed 0.00002.
gnomAD v4.1: 19 of 1,614,138 alleles (0.0012%); highest among the groups gnomAD compares: Admixed American, 0.0017%; no homozygotes.

Submissions (4):

Blueprint Genetics
Classification: Likely benign. Last evaluated: 2024-07-18. Review status: criteria provided, single submitter. Criteria: ACMG Guidelines, 2015. Collection method: clinical testing. Allele origin: germline.

Labcorp Genetics (formerly Invitae), Labcorp
Classification: Likely benign. Last evaluated: 2024-06-26. Review status: criteria provided, single submitter. Criteria: Invitae Variant Classification Sherloc (09022015). Collection method: clinical testing. Allele origin: germline.

Illumina Laboratory Services, Illumina
Classification: Uncertain significance for Microcephalic osteodysplastic primordial dwarfism type II. Last evaluated: 2017-04-27. Review status: criteria provided, single submitter. Criteria: ICSL Variant Classification Criteria 13 December 2019. Collection method: clinical testing. Allele origin: germline.

PreventionGenetics, part of Exact Sciences
Classification: Likely benign for PCNT-related condition. Last evaluated: 2024-07-09. Review status: no assertion criteria provided. Collection method: clinical testing. Allele origin: germline. Not counted in ClinVar's aggregate classification.
Comment: This variant is classified as likely benign based on ACMG/AMP sequence variant interpretation guidelines (Richards et al. 2015 PMID: 25741868, with internal and published modifications).

NM_006031.6(PCNT):c.6192C>T (p.Val2064=)

Gene: PCNT (pericentrin; plus strand). Cytogenetic location: 21q22.3.
Variant type: single nucleotide variant.
Coding change: c.6192C>T on transcript NM_006031.6 (MANE Select); coding-DNA position 6192, C replaced by T.
Protein change: p.Val2064=; no amino-acid change (valine 2064 retained).
Molecular consequence: synonymous variant.
Genome position (GRCh38, 1-based): chr21:46,416,110, C>T. VCF-style: chr21-46416110-C-T. GRCh37 (hg19) VCF-style: chr21-47836024-C-T.
Other names: c.5838C>T, p.Val1946= (NM_001315529.2).
Identifiers: ClinVar variation 897575 (VCV000897575.10), dbSNP rs1229663143, ClinGen allele CA512734366.